The following is an entry in ClinVar:

NM_001356.5(DDX3X):c.1769G>A (p.Ser590Asn)

Gene: DDX3X (DEAD-box helicase 3 X-linked; plus strand). Cytogenetic location: Xp11.4.
Variant type: single nucleotide variant.
Coding change: c.1769G>A on transcript NM_001356.5 (MANE Select); coding-DNA position 1769, G replaced by A.
Protein change: p.Ser590Asn; replaces serine 590 with asparagine.
Molecular consequence: missense variant. On other transcripts: non-coding transcript variant (1).
Genome position (GRCh38, 1-based): chrX:41,347,012, G>A. VCF-style: chrX-41347012-G-A. GRCh37 (hg19) VCF-style: chrX-41206265-G-A.
Other names: c.1769G>A (NM_001193416.2); c.1769G>A, p.Ser590Asn (NM_001193416.3); c.1721G>A, p.Ser574Asn (NM_001193417.3); c.1211G>A, p.Ser404Asn (NM_001363819.1); short protein forms S574N, S590N, S404N.
Identifiers: ClinVar variation 2105524 (VCV002105524.9), dbSNP rs2519525946, ClinGen allele CA412778381.

ClinVar aggregate classification (germline): Pathogenic/Likely pathogenic. Review status: criteria provided, multiple submitters, no conflicts (2 of 4 stars). 3 submissions from 3 submitters: Pathogenic (1); Likely pathogenic (1). 1 of the submissions does not count toward it. Last evaluated 2026-03-10.

Conditions:
Intellectual disability, X-linked 102 (MRXSSB). Also called: Intellectual developmental disorder, X-linked syndromic, Snijders Blok type. Identifiers: Orphanet 457260, MedGen C5393299, MONDO:0010497, OMIM 300958.
DDX3X-related disorder. Also called: DDX3X-related condition.

Submissions (5):

Laboratorio de Genetica e Diagnostico Molecular, Hospital Israelita Albert Einstein
Classification: Likely pathogenic for Intellectual disability, X-linked 102. Last evaluated: 2026-03-10. Review status: criteria provided, single submitter. Criteria: ACMG Guidelines, 2015. Collection method: clinical testing. Allele origin: germline. Affected: yes. Observed: 1 variant allele.
Comment: This variant is absent from the gnomAD population database. In silico splice prediction tools suggest a potential impact on RNA splicing (SpliceAI delta score donor gain = 0.72). The analysis demonstrated elongation of exon 15 due to the creation of a novel splice donor site located 5 base pairs downstream, resulting in a disruption of the reading frame. This finding is consistent with the in silico prediction. This abnormal transcript was observed in at least 50% of the analyzed transcripts. Based on current recommendations for the interpretation of RNA evidence (PMID: 37352859), this variant was classified as likely pathogenic. ACMG/AMP classification criteria: PVS1_RNA and PM2 supporting.

Labcorp Genetics (formerly Invitae), Labcorp
Classification: Pathogenic. Last evaluated: 2022-04-20. Review status: criteria provided, single submitter. Criteria: Invitae Variant Classification Sherloc (09022015). Collection method: clinical testing. Allele origin: germline.
Comment: This missense change has been observed in individual(s) with DDX3X-related conditions (Invitae). In at least one individual the variant was observed to be de novo. For these reasons, this variant has been classified as Pathogenic. Variants that disrupt the consensus splice site are a relatively common cause of aberrant splicing (PMID: 17576681, 9536098). Algorithms developed to predict the effect of sequence changes on RNA splicing suggest that this variant may create or strengthen a splice site. Algorithms developed to predict the effect of missense changes on protein structure and function are either unavailable or do not agree on the potential impact of this missense change (SIFT: "Tolerated"; PolyPhen-2: "Not Available"; Align-GVGD: "Class C0"). This variant is not present in population databases (gnomAD no frequency). This sequence change replaces serine, which is neutral and polar, with asparagine, which is neutral and polar, at codon 590 of the DDX3X protein (p.Ser590Asn). This variant also falls at the last nucleotide of exon 15, which is part of the consensus splice site for this exon.

PreventionGenetics, part of Exact Sciences
Classification: Uncertain significance for DDX3X-related condition. Last evaluated: 2024-01-28. Review status: no assertion criteria provided. Collection method: clinical testing. Allele origin: germline. Not counted in ClinVar's aggregate classification.
Comment: The DDX3X c.1769G>A variant is predicted to result in the amino acid substitution p.Ser590Asn. To our knowledge, this variant has not been reported in the literature or in a large population database, indicating this variant is rare. This variant is located at the last nucleotide of the exon and is predicted to weaken the donor splice site and may result in aberrant splicing (Alamut Visual Plus v1.6.1).  Although we suspect that this variant may be pathogenic, at this time, the clinical significance of this variant is uncertain due to the absence of conclusive functional and genetic evidence.

Dr. Peter K. Rogan Lab, Western University
No classification provided (evidence only). Condition: Nonpapillary renal cell carcinoma. Review status: no classification provided. Collection method: in vitro. Allele origin: not applicable. Functional consequence: retained intron. Not counted in ClinVar's aggregate classification.

Dr. Peter K. Rogan Lab, Western University
No classification provided (evidence only). Condition: Nonpapillary renal cell carcinoma. Review status: no classification provided. Collection method: in vitro. Allele origin: not applicable. Functional consequence: skipped exon. Not counted in ClinVar's aggregate classification.

Literature cited by the submitters: PubMed 17576681 (cited by Labcorp Genetics (formerly Invitae), Labcorp); PubMed 9536098 (cited by Labcorp Genetics (formerly Invitae), Labcorp).